The following is an entry in ClinVar:

ClinVar aggregate classification (germline): Pathogenic (1 of 4 stars; one submission).

Submission:

GeneDx
Classification: Pathogenic. Last evaluated: 2014-04-07. Review status: criteria provided, single submitter. Criteria: GeneDx Variant Classification (06012015). Collection method: clinical testing. Allele origin: germline. Affected: yes.
Comment: c.539delT: p.Met180ArgfsX11 (M180Rfsx11) in exon 5 of the SLC2A1 gene (NM_006516.2)The c.539delT mutation in the SLC2A1 gene causes a frameshift starting with codon Methionine 180, changes this amino acid to an Arginine residue and creates a premature Stop codon at position 11 of the new reading frame, denoted p.M180RfsX11. This mutation is predicted to cause loss of normal protein function either through protein truncation or nonsense-mediated mRNA decay. This mutation has not been previously reported to our knowledge. The variant is found in INFANT-EPI panel(s).

NM_006516.4(SLC2A1):c.539del (p.Met180fs)

Gene: SLC2A1 (solute carrier family 2 member 1; minus strand). Cytogenetic location: 1p34.2.
Variant type: Deletion.
Coding change: c.539del on transcript NM_006516.4 (MANE Select); coding-DNA position 539, one base deleted (T; older notation c.539delT).
Protein change: p.Met180fs; shifts the reading frame from methionine 180.
Molecular consequence: frameshift variant.
Genome position (GRCh38, 1-based): chr1:42,930,013, A deleted on the plus strand (T on the coding strand, the reverse complement: SLC2A1 is on the minus strand). VCF-style (leftmost placement, unchanged base first): chr1-42930012-CA-C. GRCh37 (hg19) VCF-style: chr1-43395683-CA-C.
Other names: short protein forms M180fs.
Identifiers: ClinVar variation 207220 (VCV000207220.1), dbSNP rs796053267, ClinGen allele CA318483.